The following is an entry in ClinVar:

NM_213649.2(SFXN4):c.575C>T (p.Thr192Ile)

Gene: SFXN4 (sideroflexin 4; minus strand). Cytogenetic location: 10q26.11.
Variant type: single nucleotide variant.
Coding change: c.575C>T on transcript NM_213649.2 (MANE Select); coding-DNA position 575, C replaced by T.
Protein change: p.Thr192Ile; replaces threonine 192 with isoleucine.
Molecular consequence: missense variant. On other transcripts: non-coding transcript variant (1).
Genome position (GRCh38, 1-based): chr10:119,156,719, G>A on the plus strand (C>T on the coding strand, the complement: SFXN4 is on the minus strand). VCF-style: chr10-119156719-G-A. GRCh37 (hg19) VCF-style: chr10-120916231-G-A.
Other names: c.575C>T, p.Thr192Ile (NM_213650.1); c.575C>T (NM_213649.1); short protein forms T192I.
Identifiers: ClinVar variation 2888303 (VCV002888303.4), dbSNP rs761163106, ClinGen allele CA5714476.

ClinVar aggregate classification (germline): Uncertain significance. Review status: criteria provided, multiple submitters, no conflicts (2 of 4 stars). 2 submissions from 2 submitters: Uncertain significance (2). Last evaluated 2025-08-04.

Conditions:
Inborn genetic diseases. Identifiers: MedGen C0950123, MeSH D030342.

Allele frequency attached by ClinVar (database versions not stated): gnomAD exomes below 0.00001; ExAC 0.00001; gnomAD 0.00002; TOPMed 0.00002.
gnomAD v4.1: 10 of 1,611,612 alleles (0.00062%); highest among the groups gnomAD compares: Admixed American, 0.0067%; no homozygotes.

Submissions (2):

Ambry Genetics
Classification: Uncertain significance for Inborn genetic diseases. Last evaluated: 2025-08-04. Review status: criteria provided, single submitter. Criteria: Ambry Variant Classification Scheme 2023. Collection method: clinical testing. Allele origin: germline.

Labcorp Genetics (formerly Invitae), Labcorp
Classification: Uncertain significance. Last evaluated: 2024-01-04. Review status: criteria provided, single submitter. Criteria: Invitae Variant Classification Sherloc (09022015). Collection method: clinical testing. Allele origin: germline.
Comment: This sequence change replaces threonine, which is neutral and polar, with isoleucine, which is neutral and non-polar, at codon 192 of the SFXN4 protein (p.Thr192Ile). The frequency data for this variant in the population databases is considered unreliable, as metrics indicate poor data quality at this position in the gnomAD database. This variant has not been reported in the literature in individuals affected with SFXN4-related conditions. An algorithm developed to predict the effect of missense changes on protein structure and function (PolyPhen-2) suggests that this variant is likely to be tolerated. In summary, the available evidence is currently insufficient to determine the role of this variant in disease. Therefore, it has been classified as a Variant of Uncertain Significance.